The following is an entry in ClinVar:

NM_139314.3(ANGPTL4):c.186C>T (p.Thr62=)

Gene: ANGPTL4 (angiopoietin like 4; plus strand). Cytogenetic location: 19p13.2.
Variant type: single nucleotide variant.
Coding change: c.186C>T on transcript NM_139314.3 (MANE Select); coding-DNA position 186, C replaced by T.
Protein change: p.Thr62=; no amino-acid change (threonine 62 retained).
Molecular consequence: synonymous variant. On other transcripts: non-coding transcript variant (1).
Genome position (GRCh38, 1-based): chr19:8,364,507, C>T. VCF-style: chr19-8364507-C-T. GRCh37 (hg19) VCF-style: chr19-8429391-C-T.
Other names: c.186C>T, p.Thr62= (NM_001039667.3).
Identifiers: ClinVar variation 3042853 (VCV003042853.2), dbSNP rs139991923, ClinGen allele CA9155861.
Genomic context (GRCh38, chr19:8,364,507, plus strand): 5'-TGTCCTGGCGCACGGACTCCTGCAGCTCGGCCAGGGGCTGCGCGAACACGCGGAGCGCAC[C>T]CGCAGTCAGCTGAGCGCGCTGGAGCGGCGCCTGAGCGCGTGCGGGTCCGCCTGTCAGGGA-3'
Protein context (NP_647475.1, residues 52-72): GQGLREHAER[Thr62=]RSQLSALERR

ClinVar aggregate classification (germline): Benign (0 of 4 stars; one submission).

Conditions:
ANGPTL4-related disorder. Also called: ANGPTL4-related condition.

Allele frequency attached by ClinVar (database versions not stated): gnomAD exomes 0.00028; gnomAD 0.00037; TOPMed 0.00040; ExAC 0.00178; 1000 Genomes Project 0.00180; 1000 Genomes Project 30x 0.00234.

Submission:

PreventionGenetics, part of Exact Sciences
Classification: Benign for ANGPTL4-related condition. Last evaluated: 2019-03-29. Review status: no assertion criteria provided. Collection method: clinical testing. Allele origin: germline.
Comment: This variant is classified as benign based on ACMG/AMP sequence variant interpretation guidelines (Richards et al. 2015 PMID: 25741868, with internal and published modifications).